The following is an entry in ClinVar:

ClinVar aggregate classification (germline): Pathogenic (1 of 4 stars; one submission).

Submission:

Labcorp Genetics (formerly Invitae), Labcorp
Classification: Pathogenic. Last evaluated: 2025-10-01. Review status: criteria provided, single submitter. Criteria: Invitae Variant Classification Sherloc (09022015). Collection method: clinical testing. Allele origin: germline.
Comment: This sequence change creates a premature translational stop signal (p.Pro475Leufs*154) in the COL2A1 gene. It is expected to result in an absent or disrupted protein product. Loss-of-function variants in COL2A1 are known to be pathogenic (PMID: 20179744). This variant is not present in population databases (gnomAD no frequency). This variant has not been reported in the literature in individuals affected with COL2A1-related conditions. ClinVar contains an entry for this variant (Variation ID: 2812811). For these reasons, this variant has been classified as Pathogenic.

Literature cited by the submitters: PubMed 20179744.

NM_001844.5(COL2A1):c.1424del (p.Pro475fs)

Gene: COL2A1 (collagen type II alpha 1 chain; minus strand). Cytogenetic location: 12q13.11.
Variant type: Deletion.
Coding change: c.1424del on transcript NM_001844.5 (MANE Select); coding-DNA position 1424, one base deleted (C; older notation c.1424delC).
Protein change: p.Pro475fs; shifts the reading frame from proline 475.
Molecular consequence: frameshift variant.
Genome position (GRCh38, 1-based): chr12:47,986,439, G deleted on the plus strand (C on the coding strand, the reverse complement: COL2A1 is on the minus strand); the first of 3 consecutive G bases (chr12:47,986,439-47,986,441); deleting any one gives the same sequence. VCF-style (leftmost placement, unchanged base first): chr12-47986438-AG-A. GRCh37 (hg19) VCF-style: chr12-48380221-AG-A.
Other names: c.1217del, p.Pro406fs (NM_033150.3); short protein forms P406fs, P475fs.
Identifiers: ClinVar variation 2812811 (VCV002812811.3), dbSNP rs2540149361, ClinGen allele CA2739271958.